The following is an entry in ClinVar:

ClinVar aggregate classification (germline): Likely benign. Review status: criteria provided, multiple submitters, no conflicts (2 of 4 stars). 3 submissions from 3 submitters: Likely benign (3). Last evaluated 2026-01-13.

Conditions:
CDH23-related disorder. Also called: CDH23-related condition; CDH23-related disorders.

Allele frequency attached by ClinVar (database versions not stated): gnomAD exomes 0.00002 and 0.00003; ExAC 0.00003; TOPMed 0.00007; gnomAD 0.00008; 1000 Genomes Project 30x 0.00016.
gnomAD v4.1: 52 of 1,613,988 alleles (0.0032%); highest among the groups gnomAD compares: East Asian, 0.025%; no homozygotes.

Submissions (3):

Labcorp Genetics (formerly Invitae), Labcorp
Classification: Likely benign. Last evaluated: 2026-01-13. Review status: criteria provided, single submitter. Criteria: Invitae Variant Classification Sherloc (09022015). Collection method: clinical testing. Allele origin: germline.

PreventionGenetics, part of Exact Sciences
Classification: Likely benign for CDH23-related condition. Last evaluated: 2025-04-24. Review status: criteria provided, single submitter. Criteria: ACMG Guidelines, 2015. Collection method: clinical testing. Allele origin: germline.
Comment: This variant is classified as likely benign based on ACMG/AMP sequence variant interpretation guidelines (Richards et al. 2015 PMID: 25741868, with internal and published modifications).

Blueprint Genetics
Classification: Likely benign. Last evaluated: 2023-07-10. Review status: criteria provided, single submitter. Criteria: ACMG Guidelines, 2015. Collection method: clinical testing. Allele origin: germline.

NM_022124.6(CDH23):c.981C>T (p.Asp327=)

Gene: CDH23 (cadherin related 23; plus strand). Cytogenetic location: 10q22.1.
Variant type: single nucleotide variant.
Coding change: c.981C>T on transcript NM_022124.6 (MANE Select); coding-DNA position 981, C replaced by T.
Protein change: p.Asp327=; no amino-acid change (aspartic acid 327 retained).
Molecular consequence: synonymous variant.
Genome position (GRCh38, 1-based): chr10:71,617,240, C>T. VCF-style: chr10-71617240-C-T. GRCh37 (hg19) VCF-style: chr10-73376997-C-T.
Other names: c.981C>T, p.Asp327= (NM_001171930.2, NM_001171931.2, NM_001171932.2 and 1 more transcripts); c.981C>T (NM_022124.5).
Identifiers: ClinVar variation 1121456 (VCV001121456.9), dbSNP rs771722739, ClinGen allele CA5543615.